The following is an entry in ClinVar:

NM_000368.5(TSC1):c.2325C>T (p.Leu775=)

Gene: TSC1 (TSC complex subunit 1; minus strand). Cytogenetic location: 9q34.13.
Variant type: single nucleotide variant.
Coding change: c.2325C>T on transcript NM_000368.5 (MANE Select); coding-DNA position 2325, C replaced by T.
Protein change: p.Leu775=; no amino-acid change (leucine 775 retained).
Molecular consequence: synonymous variant.
Genome position (GRCh38, 1-based): chr9:132,902,671, G>A on the plus strand (C>T on the coding strand, the complement: TSC1 is on the minus strand). VCF-style: chr9-132902671-G-A. GRCh37 (hg19) VCF-style: chr9-135778058-G-A.
Other names: c.2322C>T, p.Leu774= (NM_001162426.2); c.2172C>T, p.Leu724= (NM_001162427.2); c.1962C>T, p.Leu654= (NM_001362177.2).
Identifiers: ClinVar variation 1127286 (VCV001127286.12), dbSNP rs1005558276, ClinGen allele CA200885961.

ClinVar aggregate classification (germline): Benign/Likely benign. Review status: criteria provided, multiple submitters, no conflicts (2 of 4 stars). 3 submissions from 3 submitters: Benign (1); Likely benign (2). Last evaluated 2026-01-06.

Conditions:
Tuberous sclerosis 1 (TSC1). Identifiers: Orphanet 805, MedGen C1854465, MONDO:0008612, OMIM 191100.
Hereditary cancer-predisposing syndrome. Also called: Neoplastic Syndromes, Hereditary; Tumor predisposition; Hereditary Cancer Syndrome; Hereditary neoplastic syndrome. Identifiers: Orphanet 140162, MedGen C0027672, MeSH D009386, MONDO:0015356.

Allele frequency attached by ClinVar (database versions not stated): gnomAD exomes below 0.00001; gnomAD 0.00001 and 0.00004; TOPMed 0.00003.
gnomAD v4.1: 6 of 1,614,064 alleles (0.00037%); highest among the groups gnomAD compares: African/African-American, 0.004%; no homozygotes.

Submissions (3):

Labcorp Genetics (formerly Invitae), Labcorp
Classification: Likely benign for Tuberous sclerosis 1. Last evaluated: 2026-01-06. Review status: criteria provided, single submitter. Criteria: Invitae Variant Classification Sherloc (09022015). Collection method: clinical testing. Allele origin: germline.

Myriad Genetics, Inc.
Classification: Benign for Tuberous sclerosis 1. Last evaluated: 2025-04-25. Review status: criteria provided, single submitter. Criteria: Myriad Autosomal Dominant, Autosomal Recessive and X-Linked Classification Criteria (2023). Collection method: clinical testing. Allele origin: unknown.
Comment: This variant is considered benign. This variant is a silent/synonymous amino acid change and it is not expected to impact splicing.

Ambry Genetics
Classification: Likely benign for Hereditary cancer-predisposing syndrome. Last evaluated: 2022-08-19. Review status: criteria provided, single submitter. Criteria: Ambry Variant Classification Scheme 2023. Collection method: clinical testing. Allele origin: germline.